The following is an entry in ClinVar:

ClinVar aggregate classification (germline): Uncertain significance. Review status: criteria provided, multiple submitters, no conflicts (2 of 4 stars). 2 submissions from 2 submitters: Uncertain significance (2). Last evaluated 2024-05-02.

Conditions:
Charcot-Marie-Tooth disease type 4. Also called: Charcot-Marie-Tooth, Type 4; Charcot-Marie-Tooth disease, type IV. Identifiers: Orphanet 64749, MedGen C4082197, MONDO:0018995.

Allele frequency attached by ClinVar (database versions not stated): gnomAD exomes below 0.00001; TOPMed 0.00001; gnomAD 0.00002 and 0.00003.
gnomAD v4.1: 5 of 1,613,624 alleles (0.00031%); highest among the groups gnomAD compares: Admixed American, 0.0033%; no homozygotes.

Submissions (2):

Women's Health and Genetics/Laboratory Corporation of America, LabCorp
Classification: Uncertain significance. Last evaluated: 2024-05-02. Review status: criteria provided, single submitter. Criteria: LabCorp Variant Classification Summary - May 2015. Collection method: clinical testing. Allele origin: germline.
Comment: Variant summary: SH3TC2 c.100G>A (p.Ala34Thr) results in a non-conservative amino acid change in the encoded protein sequence. Four of five in-silico tools predict a benign effect of the variant on protein function. The variant allele was found at a frequency of 4e-06 in 251424 control chromosomes (gnomAD). The available data on variant occurrences in the general population are insufficient to allow any conclusion about variant significance. To our knowledge, no occurrence of c.100G>A in individuals affected with Charcot-Marie Disease Type 4C and no experimental evidence demonstrating its impact on protein function have been reported. ClinVar contains an entry for this variant (Variation ID: 1416185). Based on the evidence outlined above, the variant was classified as uncertain significance.

Labcorp Genetics (formerly Invitae), Labcorp
Classification: Uncertain significance for Charcot-Marie-Tooth disease type 4. Last evaluated: 2022-10-17. Review status: criteria provided, single submitter. Criteria: Invitae Variant Classification Sherloc (09022015). Collection method: clinical testing. Allele origin: germline.
Comment: This sequence change replaces alanine, which is neutral and non-polar, with threonine, which is neutral and polar, at codon 34 of the SH3TC2 protein (p.Ala34Thr). This variant is present in population databases (no rsID available, gnomAD 0.002%). This variant has not been reported in the literature in individuals affected with SH3TC2-related conditions. ClinVar contains an entry for this variant (Variation ID: 1416185). Advanced modeling of protein sequence and biophysical properties (such as structural, functional, and spatial information, amino acid conservation, physicochemical variation, residue mobility, and thermodynamic stability) performed at Invitae indicates that this missense variant is not expected to disrupt SH3TC2 protein function. In summary, the available evidence is currently insufficient to determine the role of this variant in disease. Therefore, it has been classified as a Variant of Uncertain Significance.

NM_024577.4(SH3TC2):c.100G>A (p.Ala34Thr)

Gene: SH3TC2 (SH3 domain and tetratricopeptide repeats 2; minus strand). Cytogenetic location: 5q32.
Variant type: single nucleotide variant.
Coding change: c.100G>A on transcript NM_024577.4 (MANE Select); coding-DNA position 100, G replaced by A.
Protein change: p.Ala34Thr; replaces alanine 34 with threonine.
Molecular consequence: missense variant.
Genome position (GRCh38, 1-based): chr5:149,052,193, C>T on the plus strand (G>A on the coding strand, the complement: SH3TC2 is on the minus strand). VCF-style: chr5-149052193-C-T. GRCh37 (hg19) VCF-style: chr5-148431756-C-T.
Other names: short protein forms A34T.
Identifiers: ClinVar variation 1416185 (VCV001416185.6), dbSNP rs1189763508, ClinGen allele CA361681473.